The following is an entry in ClinVar:

NM_004787.4(SLIT2):c.3226G>A (p.Asp1076Asn)

Gene: SLIT2 (slit guidance ligand 2; plus strand). Cytogenetic location: 4p15.31.
Variant type: single nucleotide variant.
Coding change: c.3226G>A on transcript NM_004787.4 (MANE Select); coding-DNA position 3226, G replaced by A.
Protein change: p.Asp1076Asn; replaces aspartic acid 1076 with asparagine.
Molecular consequence: missense variant.
Genome position (GRCh38, 1-based): chr4:20,595,740, G>A. VCF-style: chr4-20595740-G-A. GRCh37 (hg19) VCF-style: chr4-20597363-G-A.
Other names: c.3214G>A, p.Asp1072Asn (NM_001289135.3); c.3202G>A, p.Asp1068Asn (NM_001289136.3); c.3226G>A (NM_004787.3); short protein forms D1076N, D1068N, D1072N.
Identifiers: ClinVar variation 3358303 (VCV003358303.1), dbSNP rs137915323.
Genomic context (GRCh38, chr4:20,595,740, plus strand): 5'-CCTGCTTGTTCCAACAGATGTGACTGCACACCAGGGTACGTAGGTGAACACTGCGACATC[G>A]ATTTTGACGACTGCCAAGACAACAAGTGTAAAAACGGAGCCCACTGCACAGATGCAGTGA-3'
Protein context (NP_004778.1, residues 1066-1086): PGYVGEHCDI[Asp1076Asn]FDDCQDNKCK

ClinVar aggregate classification (germline): Uncertain significance (0 of 4 stars; one submission).

Conditions:
SLIT2-related disorder. Also called: SLIT2-related condition.

gnomAD v4.1: 13 of 1,613,950 alleles (0.00081%); highest among the groups gnomAD compares: Admixed American, 0.005%; no homozygotes.

Submission:

PreventionGenetics, part of Exact Sciences
Classification: Uncertain significance for SLIT2-related condition. Last evaluated: 2024-07-22. Review status: no assertion criteria provided. Collection method: clinical testing. Allele origin: germline.
Comment: The SLIT2 c.3226G>A variant is predicted to result in the amino acid substitution p.Asp1076Asn. To our knowledge, this variant has not been reported in the literature. This variant is reported in 0.013% of alleles in individuals of South Asian descent in gnomAD. At this time, the clinical significance of this variant is uncertain due to the absence of conclusive functional and genetic evidence.